The following is an entry in ClinVar:

ClinVar aggregate classification (germline): Uncertain significance (1 of 4 stars; one submission).

Conditions:
DAO-related disorder. Also called: DAO-related condition.

Submission:

PreventionGenetics, part of Exact Sciences
Classification: Uncertain significance for DAO-related condition. Last evaluated: 2023-03-21. Review status: criteria provided, single submitter. Criteria: ACMG Guidelines, 2015. Collection method: clinical testing. Allele origin: germline.
Comment: The DAO c.391G>T variant is predicted to result in the amino acid substitution p.Gly131Cys. To our knowledge, this variant has not been reported in the literature or in a large population database, indicating this variant is rare. At this time, the clinical significance of this variant is uncertain due to the absence of conclusive functional and genetic evidence.

NM_001917.5(DAO):c.391G>T (p.Gly131Cys)

Gene: DAO (D-amino acid oxidase; plus strand). Cytogenetic location: 12q24.11.
Variant type: single nucleotide variant.
Coding change: c.391G>T on transcript NM_001917.5 (MANE Select); coding-DNA position 391, G replaced by T.
Protein change: p.Gly131Cys; replaces glycine 131 with cysteine.
Molecular consequence: missense variant.
Genome position (GRCh38, 1-based): chr12:108,890,212, G>T. VCF-style: chr12-108890212-G-T. GRCh37 (hg19) VCF-style: chr12-109283988-G-T.
Other names: c.391G>T, p.Gly131Cys (NM_001413634.1, NM_001413635.1); short protein forms G131C.
Identifiers: ClinVar variation 2633646 (VCV002633646.1), dbSNP rs2039476497, ClinGen allele CA386448092.